The following is an entry in ClinVar:

ClinVar aggregate classification (germline): Uncertain significance (1 of 4 stars; one submission).

Allele frequency attached by ClinVar (database versions not stated): gnomAD exomes 0.00001 and 0.00004; ExAC 0.00003; gnomAD 0.00005 and 0.00006; TOPMed 0.00011; 1000 Genomes Project 30x 0.00016; 1000 Genomes Project 0.00020; ESP Exome Variant Server 0.00023.
gnomAD v4.1: 24 of 1,613,288 alleles (0.0015%); highest among the groups gnomAD compares: African/African-American, 0.017%; no homozygotes.

Submission:

Labcorp Genetics (formerly Invitae), Labcorp
Classification: Uncertain significance. Last evaluated: 2023-12-19. Review status: criteria provided, single submitter. Criteria: Invitae Variant Classification Sherloc (09022015). Collection method: clinical testing. Allele origin: germline.
Comment: This sequence change replaces isoleucine, which is neutral and non-polar, with valine, which is neutral and non-polar, at codon 1454 of the HMCN1 protein (p.Ile1454Val). This variant is present in population databases (rs142035526, gnomAD 0.03%). This variant has not been reported in the literature in individuals affected with HMCN1-related conditions. ClinVar contains an entry for this variant (Variation ID: 1399660). Algorithms developed to predict the effect of missense changes on protein structure and function output the following: SIFT: "Not Available"; PolyPhen-2: "Possibly Damaging"; Align-GVGD: "Not Available". The valine amino acid residue is found in multiple mammalian species, which suggests that this missense change does not adversely affect protein function. In summary, the available evidence is currently insufficient to determine the role of this variant in disease. Therefore, it has been classified as a Variant of Uncertain Significance.

NM_031935.3(HMCN1):c.4360A>G (p.Ile1454Val)

Gene: HMCN1 (hemicentin 1; plus strand). Cytogenetic location: 1q31.1.
Variant type: single nucleotide variant.
Coding change: c.4360A>G on transcript NM_031935.3 (MANE Select); coding-DNA position 4360, A replaced by G.
Protein change: p.Ile1454Val; replaces isoleucine 1454 with valine.
Molecular consequence: missense variant.
Genome position (GRCh38, 1-based): chr1:186,003,729, A>G. VCF-style: chr1-186003729-A-G. GRCh37 (hg19) VCF-style: chr1-185972861-A-G.
Other names: short protein forms I1454V.
Identifiers: ClinVar variation 1399660 (VCV001399660.6), dbSNP rs142035526, ClinGen allele CA1291984.